The following is an entry in ClinVar:

NM_005869.4(CWC27):c.496-6del

Gene: CWC27 (CWC27 spliceosome associated cyclophilin; plus strand). Cytogenetic location: 5q12.3.
Variant type: Deletion.
Coding change: c.496-6del on transcript NM_005869.4 (MANE Select); 6 bases into the intron before coding-DNA position 496, one base deleted (T; older notation c.496-6delT).
Molecular consequence: intron variant.
Genome position (GRCh38, 1-based): chr5:64,786,518, T deleted; the last of 8 consecutive T bases (chr5:64,786,511-64,786,518); deleting any one gives the same sequence. VCF-style (leftmost placement, unchanged base first): chr5-64786510-AT-A. GRCh37 (hg19) VCF-style: chr5-64082337-AT-A.
Other names: c.496-6delT (NM_005869.3); c.496-6del (NM_001297644.1, NM_001364478.1, NM_001318000.2 and 1 more transcripts).
Identifiers: ClinVar variation 1142879 (VCV001142879.11), dbSNP rs770043078, ClinGen allele CA3281972.

ClinVar aggregate classification (germline): Likely benign. Review status: criteria provided, multiple submitters, no conflicts (2 of 4 stars). 3 submissions from 3 submitters: Likely benign (3). Last evaluated 2026-01-28.

Conditions:
CWC27-related disorder. Also called: CWC27-related condition.

Submissions (3):

Labcorp Genetics (formerly Invitae), Labcorp
Classification: Likely benign. Last evaluated: 2026-01-28. Review status: criteria provided, single submitter. Criteria: Invitae Variant Classification Sherloc (09022015). Collection method: clinical testing. Allele origin: germline.

Blueprint Genetics
Classification: Likely benign. Last evaluated: 2024-11-08. Review status: criteria provided, single submitter. Criteria: ACMG Guidelines, 2015. Collection method: clinical testing. Allele origin: germline.

PreventionGenetics, part of Exact Sciences
Classification: Likely benign for CWC27-related condition. Last evaluated: 2024-10-13. Review status: criteria provided, single submitter. Criteria: ACMG Guidelines, 2015. Collection method: clinical testing. Allele origin: germline.
Comment: This variant is classified as likely benign based on ACMG/AMP sequence variant interpretation guidelines (Richards et al. 2015 PMID: 25741868, with internal and published modifications).